The following is an entry in ClinVar:

ClinVar aggregate classification (germline): Uncertain significance (1 of 4 stars; one submission).

Conditions:
CREBBP-related disorder. Also called: CREBBP-related condition; CREBBP-related disorders.

Submission:

PreventionGenetics, part of Exact Sciences
Classification: Uncertain significance for CREBBP-related condition. Last evaluated: 2026-08-05. Review status: criteria provided, single submitter. Criteria: ACMG Guidelines, 2015. Collection method: clinical testing. Allele origin: germline.
Comment: The CREBBP c.7112C>T variant is predicted to result in the amino acid substitution p.Pro2371Leu. To our knowledge, this variant has not been reported in the literature. This variant is reported in 0.0029% of alleles in individuals of Latino descent in gnomAD. At this time, the clinical significance of this variant is uncertain due to the absence of conclusive functional and genetic evidence.

NM_004380.3(CREBBP):c.7112C>T (p.Pro2371Leu)

Gene: CREBBP (CREB binding lysine acetyltransferase; minus strand). Cytogenetic location: 16p13.3.
Variant type: single nucleotide variant.
Coding change: c.7112C>T on transcript NM_004380.3 (MANE Select); coding-DNA position 7112, C replaced by T.
Protein change: p.Pro2371Leu; replaces proline 2371 with leucine.
Molecular consequence: missense variant.
Genome position (GRCh38, 1-based): chr16:3,727,935, G>A on the plus strand (C>T on the coding strand, the complement: CREBBP is on the minus strand). VCF-style: chr16-3727935-G-A. GRCh37 (hg19) VCF-style: chr16-3777936-G-A.
Other names: c.6998C>T, p.Pro2333Leu (NM_001079846.1); short protein forms P2333L, P2371L.
Identifiers: ClinVar variation 4991589 (VCV004991589.1).